The following is an entry in ClinVar:

ClinVar aggregate classification (germline): Uncertain significance (1 of 4 stars; one submission).

Allele frequency attached by ClinVar (database versions not stated): TOPMed 0.00001; ExAC 0.00003; gnomAD 0.00001.
gnomAD v4.1: 28 of 1,613,328 alleles (0.0017%); highest among the groups gnomAD compares: Admixed American, 0.0033%; 1 homozygote.

Submission:

Labcorp Genetics (formerly Invitae), Labcorp
Classification: Uncertain significance. Last evaluated: 2022-07-21. Review status: criteria provided, single submitter. Criteria: Invitae Variant Classification Sherloc (09022015). Collection method: clinical testing. Allele origin: germline.
Comment: This variant is present in population databases (rs768474367, gnomAD 0.007%). This sequence change replaces arginine, which is basic and polar, with cysteine, which is neutral and slightly polar, at codon 16 of the LRRC10 protein (p.Arg16Cys). In summary, the available evidence is currently insufficient to determine the role of this variant in disease. Therefore, it has been classified as a Variant of Uncertain Significance. Algorithms developed to predict the effect of missense changes on protein structure and function output the following: SIFT: "Tolerated"; PolyPhen-2: "Benign"; Align-GVGD: "Class C0". The cysteine amino acid residue is found in multiple mammalian species, which suggests that this missense change does not adversely affect protein function. This variant has not been reported in the literature in individuals affected with LRRC10-related conditions.

NM_201550.4(LRRC10):c.46C>T (p.Arg16Cys)

Gene: LRRC10 (leucine rich repeat containing 10; minus strand). Cytogenetic location: 12q15.
Variant type: single nucleotide variant.
Coding change: c.46C>T on transcript NM_201550.4 (MANE Select); coding-DNA position 46, C replaced by T.
Protein change: p.Arg16Cys; replaces arginine 16 with cysteine.
Molecular consequence: missense variant.
Genome position (GRCh38, 1-based): chr12:69,610,793, G>A on the plus strand (C>T on the coding strand, the complement: LRRC10 is on the minus strand). VCF-style: chr12-69610793-G-A. GRCh37 (hg19) VCF-style: chr12-70004573-G-A.
Other names: short protein forms R16C.
Identifiers: ClinVar variation 1910292 (VCV001910292.5), dbSNP rs768474367, ClinGen allele CA6681153.